The following is an entry in ClinVar:

ClinVar aggregate classification (germline): Uncertain significance (1 of 4 stars; one submission).

Conditions:
Inborn genetic diseases. Identifiers: MedGen C0950123, MeSH D030342.

Submission:

Ambry Genetics
Classification: Uncertain significance for Inborn genetic diseases. Last evaluated: 2025-06-21. Review status: criteria provided, single submitter. Criteria: Ambry Variant Classification Scheme 2023. Collection method: clinical testing. Allele origin: germline.
Comment: The p.W131L variant (also known as c.392G>T), located in coding exon 1 of the FANCM gene, results from a G to T substitution at nucleotide position 392. The tryptophan at codon 131 is replaced by leucine, an amino acid with similar properties. This amino acid position is conserved. In addition, the in silico prediction for this alteration is inconclusive. Based on the available evidence, the clinical significance of this variant remains unclear.

NM_020937.4(FANCM):c.392G>T (p.Trp131Leu)

Gene: FANCM (FA complementation group M; plus strand). Cytogenetic location: 14q21.2.
Variant type: single nucleotide variant.
Coding change: c.392G>T on transcript NM_020937.4 (MANE Select); coding-DNA position 392, G replaced by T.
Protein change: p.Trp131Leu; replaces tryptophan 131 with leucine.
Molecular consequence: missense variant.
Genome position (GRCh38, 1-based): chr14:45,136,423, G>T. VCF-style: chr14-45136423-G-T. GRCh37 (hg19) VCF-style: chr14-45605626-G-T.
Other names: c.392G>T, p.Trp131Leu (NM_001308133.2, NM_001308134.2); short protein forms W131L.
Identifiers: ClinVar variation 4254529 (VCV004254529.1).